The following is an entry in ClinVar:

NM_002529.4(NTRK1):c.279G>A (p.Leu93=)

Gene: NTRK1 (neurotrophic receptor tyrosine kinase 1; plus strand). Cytogenetic location: 1q23.1.
Variant type: single nucleotide variant.
Coding change: c.279G>A on transcript NM_002529.4 (MANE Select); coding-DNA position 279, G replaced by A.
Protein change: p.Leu93=; no amino-acid change (leucine 93 retained).
Molecular consequence: synonymous variant.
Genome position (GRCh38, 1-based): chr1:156,864,420, G>A. VCF-style: chr1-156864420-G-A. GRCh37 (hg19) VCF-style: chr1-156834212-G-A.
Other names: c.189G>A, p.Leu63= (NM_001007792.1); c.279G>A, p.Leu93= (NM_001012331.2); c.279G>A (NM_002529.3).
Identifiers: ClinVar variation 513835 (VCV000513835.60), dbSNP rs147983523, ClinGen allele CA1168874.

ClinVar aggregate classification (germline): Conflicting classifications of pathogenicity. Review status: criteria provided, conflicting classifications (1 of 4 stars). 8 submissions from 8 submitters: Uncertain significance (1); Likely benign (7). Last evaluated 2026-09-01.

Conditions:
NTRK1-related disorder. Also called: NTRK1-related condition.
Inborn genetic diseases. Identifiers: MedGen C0950123, MeSH D030342.
Hereditary insensitivity to pain with anhidrosis (CIPA). Also called: hereditary sensory and autonomic neuropathy type 4; FAMILIAL DYSAUTONOMIA, TYPE II; NEUROPATHY, CONGENITAL SENSORY, WITH ANHIDROSIS; HSAN Type IV; NTRK1 Congenital Insensitivity to Pain with Anhidrosis; INSENSITIVITY TO PAIN, CONGENITAL, WITH ANHIDROSIS. Identifiers: Orphanet 642, MedGen C0020074, MONDO:0009746, OMIM 256800.

Allele frequency attached by ClinVar (database versions not stated): ESP Exome Variant Server 0.00008; gnomAD 0.00011; gnomAD exomes 0.00011 and 0.00026; ExAC 0.00012; TOPMed 0.00013.
gnomAD v4.1: 396 of 1,613,704 alleles (0.025%); highest among the groups gnomAD compares: Non-Finnish European, 0.032%; no homozygotes.

Submissions (8):

CeGaT Center for Human Genetics Tuebingen
Classification: Likely benign. Last evaluated: 2026-09-01. Review status: criteria provided, single submitter. Criteria: CeGaT Center For Human Genetics Tuebingen Variant Classification Criteria Version 2. Collection method: clinical testing. Allele origin: germline. Affected: yes. Observed: 2 variant alleles.
Comment: NTRK1: BP4, BP7

Women's Health and Genetics/Laboratory Corporation of America, LabCorp
Classification: Likely benign. Last evaluated: 2026-03-09. Review status: criteria provided, single submitter. Criteria: LabCorp Variant Classification Summary - May 2015. Collection method: clinical testing. Allele origin: germline.

Labcorp Genetics (formerly Invitae), Labcorp
Classification: Likely benign for Hereditary insensitivity to pain with anhidrosis. Last evaluated: 2026-01-27. Review status: criteria provided, single submitter. Criteria: Invitae Variant Classification Sherloc (09022015). Collection method: clinical testing. Allele origin: germline.

PreventionGenetics, part of Exact Sciences
Classification: Likely benign for NTRK1-related condition. Last evaluated: 2025-08-05. Review status: criteria provided, single submitter. Criteria: ACMG Guidelines, 2015. Collection method: clinical testing. Allele origin: germline.
Comment: This variant is classified as likely benign based on ACMG/AMP sequence variant interpretation guidelines (Richards et al. 2015 PMID: 25741868, with internal and published modifications).

Blueprint Genetics
Classification: Likely benign. Last evaluated: 2024-09-13. Review status: criteria provided, single submitter. Criteria: ACMG Guidelines, 2015. Collection method: clinical testing. Allele origin: germline.

Ambry Genetics
Classification: Likely benign for Inborn genetic diseases. Last evaluated: 2019-07-11. Review status: criteria provided, single submitter. Criteria: Ambry Variant Classification Scheme 2023. Collection method: clinical testing. Allele origin: germline.

Illumina Laboratory Services, Illumina
Classification: Uncertain significance for Hereditary insensitivity to pain with anhidrosis. Last evaluated: 2018-01-12. Review status: criteria provided, single submitter. Criteria: ICSL Variant Classification Criteria 13 December 2019. Collection method: clinical testing. Allele origin: germline.

GeneDx
Classification: Likely benign. Last evaluated: 2017-12-05. Review status: criteria provided, single submitter. Criteria: GeneDx Variant Classification (06012015). Collection method: clinical testing. Allele origin: germline. Affected: yes.
Comment: This variant is considered likely benign or benign based on one or more of the following criteria: it is a conservative change, it occurs at a poorly conserved position in the protein, it is predicted to be benign by multiple in silico algorithms, and/or has population frequency not consistent with disease.